The following is an entry in ClinVar:

ClinVar aggregate classification (germline): Uncertain significance (1 of 4 stars; one submission).

Allele frequency attached by ClinVar (database versions not stated): TOPMed 0.00001.

Submission:

Labcorp Genetics (formerly Invitae), Labcorp
Classification: Uncertain significance. Last evaluated: 2022-06-11. Review status: criteria provided, single submitter. Criteria: Invitae Variant Classification Sherloc (09022015). Collection method: clinical testing. Allele origin: germline.
Comment: Algorithms developed to predict the effect of missense changes on protein structure and function are either unavailable or do not agree on the potential impact of this missense change (SIFT: "Tolerated"; PolyPhen-2: "Probably Damaging"; Align-GVGD: "Class C0"). This variant has not been reported in the literature in individuals affected with FCHO1-related conditions. This variant is not present in population databases (gnomAD no frequency). This sequence change replaces aspartic acid, which is acidic and polar, with glutamic acid, which is acidic and polar, at codon 579 of the FCHO1 protein (p.Asp579Glu). In summary, the available evidence is currently insufficient to determine the role of this variant in disease. Therefore, it has been classified as a Variant of Uncertain Significance.

NM_015122.3(FCHO1):c.1737C>A (p.Asp579Glu)

Gene: FCHO1 (FCH and mu domain containing endocytic adaptor 1; plus strand). Cytogenetic location: 19p13.11.
Variant type: single nucleotide variant.
Coding change: c.1737C>A on transcript NM_015122.3 (MANE Select); coding-DNA position 1737, C replaced by A.
Protein change: p.Asp579Glu; replaces aspartic acid 579 with glutamic acid.
Molecular consequence: missense variant. On other transcripts: non-coding transcript variant (36).
Genome position (GRCh38, 1-based): chr19:17,781,340, C>A. VCF-style: chr19-17781340-C-A. GRCh37 (hg19) VCF-style: chr19-17892149-C-A.
Other names: c.1737C>A, p.Asp579Glu (NM_001161357.2, NM_001161358.2, NM_001384370.1 and 13 more transcripts); c.1587C>A, p.Asp529Glu (NM_001161359.2, NM_001384384.1, NM_001384385.1 and 1 more transcripts); c.1698C>A, p.Asp566Glu (NM_001384388.1, NM_001384389.1, NM_001384405.1); c.1662C>A, p.Asp554Glu (NM_001384390.1); c.1620C>A, p.Asp540Glu (NM_001384392.1, NM_001384393.1, NM_001384394.1 and 1 more transcripts); c.1461C>A, p.Asp487Glu (NM_001384396.1, NM_001384397.1, NM_001384398.1 and 5 more transcripts); c.1416C>A, p.Asp472Glu (NM_001384403.1); c.1311C>A, p.Asp437Glu (NM_001384406.1); and 1 more; short protein forms D389E, D472E, D487E, D540E, D554E, D437E, D529E, D566E.
Identifiers: ClinVar variation 1347748 (VCV001347748.8), dbSNP rs780871761, ClinGen allele CA306118660.
Genomic context (GRCh38, chr19:17,781,340, plus strand): 5'-CCCACCCAGGAGACTTCGCTCTAGGAAGGTGTCCTGCCCTCTCACACGTAGCAATGGGGA[C>A]CTGGTAGGTGAGGGGGCGTGGCAGGAGCTGGACTGGGGGTCGCGTCTGGGGTCCGCTTTT-3'
Protein context (NP_055937.1, residues 569-589): VSCPLTRSNG[Asp579Glu]LSRSLSPSPL